The following is an entry in ClinVar:

ClinVar aggregate classification (germline): Uncertain significance. Review status: criteria provided, multiple submitters, no conflicts (2 of 4 stars). 4 submissions from 4 submitters: Uncertain significance (4). Last evaluated 2025-07-13.

Conditions:
Cardiovascular phenotype. Identifiers: MedGen CN230736.
Atrial septal defect 4 (ASD4). Identifiers: Orphanet 1478, MedGen C1969657, MONDO:0012654, OMIM 611363.

Allele frequency attached by ClinVar (database versions not stated): ESP Exome Variant Server 0.00008; ExAC 0.00001; gnomAD 0.00001; TOPMed 0.00002; gnomAD exomes below 0.00001.
gnomAD v4.1: 3 of 1,614,194 alleles (0.00019%); highest among the groups gnomAD compares: Non-Finnish European, 0.00025%; no homozygotes.

Submissions (4):

Labcorp Genetics (formerly Invitae), Labcorp
Classification: Uncertain significance. Last evaluated: 2025-07-13. Review status: criteria provided, single submitter. Criteria: Invitae Variant Classification Sherloc (09022015). Collection method: clinical testing. Allele origin: germline.
Comment: This sequence change replaces histidine, which is basic and polar, with tyrosine, which is neutral and polar, at codon 165 of the TBX20 protein (p.His165Tyr). This variant is present in population databases (rs370219446, gnomAD 0.007%). This variant has not been reported in the literature in individuals affected with TBX20-related conditions. ClinVar contains an entry for this variant (Variation ID: 1677798). Invitae Evidence Modeling of protein sequence and biophysical properties (such as structural, functional, and spatial information, amino acid conservation, physicochemical variation, residue mobility, and thermodynamic stability) indicates that this missense variant is expected to disrupt TBX20 protein function with a positive predictive value of 80%. In summary, the available evidence is currently insufficient to determine the role of this variant in disease. Therefore, it has been classified as a Variant of Uncertain Significance.

Ambry Genetics
Classification: Uncertain significance for Cardiovascular phenotype. Last evaluated: 2023-05-21. Review status: criteria provided, single submitter. Criteria: Ambry Variant Classification Scheme 2023. Collection method: clinical testing. Allele origin: germline.
Comment: The p.H165Y variant (also known as c.493C>T), located in coding exon 3 of the TBX20 gene, results from a C to T substitution at nucleotide position 493. The histidine at codon 165 is replaced by tyrosine, an amino acid with similar properties. This amino acid position is conserved. In addition, this alteration is predicted to be deleterious by in silico analysis. Since supporting evidence is limited at this time, the clinical significance of this alteration remains unclear.

Baylor Genetics
Classification: Uncertain significance for Atrial septal defect 4. Last evaluated: 2023-04-23. Review status: criteria provided, single submitter. Criteria: ACMG Guidelines, 2015. Collection method: clinical testing. Allele origin: unknown.

AiLife Diagnostics
Classification: Uncertain significance. Last evaluated: 2022-01-10. Review status: criteria provided, single submitter. Criteria: ACMG Guidelines, 2015. Collection method: clinical testing. Allele origin: germline. Affected: yes. Observed: 1 variant allele.

NM_001077653.2(TBX20):c.493C>T (p.His165Tyr)

Gene: TBX20 (T-box transcription factor 20; minus strand). Cytogenetic location: 7p14.2.
Variant type: single nucleotide variant.
Coding change: c.493C>T on transcript NM_001077653.2 (MANE Select); coding-DNA position 493, C replaced by T.
Protein change: p.His165Tyr; replaces histidine 165 with tyrosine.
Molecular consequence: missense variant.
Genome position (GRCh38, 1-based): chr7:35,248,729, G>A on the plus strand (C>T on the coding strand, the complement: TBX20 is on the minus strand). VCF-style: chr7-35248729-G-A. GRCh37 (hg19) VCF-style: chr7-35288341-G-A.
Other names: c.493C>T, p.His165Tyr (NM_001166220.1); short protein forms H165Y.
Identifiers: ClinVar variation 1677798 (VCV001677798.7), dbSNP rs370219446, ClinGen allele CA4217498.